The following is an entry in ClinVar:

ClinVar aggregate classification (germline): Pathogenic (1 of 4 stars; one submission).

Conditions:
DPAGT1-congenital disorder of glycosylation. Also called: CONGENITAL DISORDER OF GLYCOSYLATION, TYPE Ij; DPAGT1-CDG; CDG Ij. Identifiers: Orphanet 86309, MedGen C2931004, MONDO:0011964, OMIM 608093.
Congenital myasthenic syndrome 13 (CMS13). Also called: Myasthenic syndrome, congenital, 13, with tubular aggregates; Myasthenic syndrome, congenital, with tubular aggregates 2. Identifiers: Orphanet 353327, Orphanet 590, MedGen C3553645, MONDO:0013883, OMIM 614750.

Allele frequency attached by ClinVar (database versions not stated): gnomAD exomes below 0.00001; TOPMed below 0.00001.
gnomAD v4.1: 2 of 1,614,198 alleles (0.00012%); highest among the groups gnomAD compares: Non-Finnish European, 0.00017%; no homozygotes.

Submission:

Labcorp Genetics (formerly Invitae), Labcorp
Classification: Pathogenic for Congenital myasthenic syndrome 13; DPAGT1-congenital disorder of glycosylation. Last evaluated: 2018-09-18. Review status: criteria provided, single submitter. Criteria: Invitae Variant Classification Sherloc (09022015). Collection method: clinical testing. Allele origin: germline.
Comment: This sequence change creates a premature translational stop signal (p.Ser133*) in the DPAGT1 gene. It is expected to result in an absent or disrupted protein product. This variant is not present in population databases (ExAC no frequency). This variant has not been reported in the literature in individuals with DPAGT1-related disease. Loss-of-function variants in DPAGT1 are known to be pathogenic (PMID: 22742743). For these reasons, this variant has been classified as Pathogenic.

Literature cited by the submitters: PubMed 22742743.

NM_001382.4(DPAGT1):c.398C>G (p.Ser133Ter)

Gene: DPAGT1 (dolichyl-phosphate N-acetylglucosaminephosphotransferase 1; minus strand). Cytogenetic location: 11q23.3.
Variant type: single nucleotide variant.
Coding change: c.398C>G on transcript NM_001382.4 (MANE Select); coding-DNA position 398, C replaced by G.
Protein change: p.Ser133Ter; replaces serine 133 with a stop codon.
Molecular consequence: nonsense.
Genome position (GRCh38, 1-based): chr11:119,100,728, G>C on the plus strand (C>G on the coding strand, the complement: DPAGT1 is on the minus strand). VCF-style: chr11-119100728-G-C. GRCh37 (hg19) VCF-style: chr11-118971438-G-C.
Other names: short protein forms S133*.
Identifiers: ClinVar variation 640003 (VCV000640003.6), dbSNP rs1315559074, ClinGen allele CA382915109.